The following is an entry in ClinVar:

NM_006033.4(LIPG):c.887A>G (p.Gln296Arg)

Gene: LIPG (lipase G, endothelial type; plus strand). Cytogenetic location: 18q21.1.
Variant type: single nucleotide variant.
Coding change: c.887A>G on transcript NM_006033.4 (MANE Select); coding-DNA position 887, A replaced by G.
Protein change: p.Gln296Arg; replaces glutamine 296 with arginine.
Molecular consequence: missense variant.
Genome position (GRCh38, 1-based): chr18:49,581,508, A>G. VCF-style: chr18-49581508-A-G. GRCh37 (hg19) VCF-style: chr18-47107878-A-G.
Other names: c.665A>G, p.Gln222Arg (NM_001308006.2); short protein forms Q222R, Q296R.
Identifiers: ClinVar variation 4717503 (VCV004717503.1).

ClinVar aggregate classification (germline): Uncertain significance (1 of 4 stars; one submission).

Submission:

Labcorp Genetics (formerly Invitae), Labcorp
Classification: Uncertain significance. Last evaluated: 2025-04-14. Review status: criteria provided, single submitter. Criteria: Invitae Variant Classification Sherloc (09022015). Collection method: clinical testing. Allele origin: germline.
Comment: This sequence change replaces glutamine, which is neutral and polar, with arginine, which is basic and polar, at codon 296 of the LIPG protein (p.Gln296Arg). This variant is not present in population databases (gnomAD no frequency). This variant has not been reported in the literature in individuals affected with LIPG-related conditions. An algorithm developed to predict the effect of missense changes on protein structure and function (PolyPhen-2) suggests that this variant is likely to be disruptive. In summary, the available evidence is currently insufficient to determine the role of this variant in disease. Therefore, it has been classified as a Variant of Uncertain Significance.